The following is an entry in ClinVar:

ClinVar aggregate classification (germline): Uncertain significance. Review status: criteria provided, multiple submitters, no conflicts (2 of 4 stars). 2 submissions from 2 submitters: Uncertain significance (2). Last evaluated 2025-11-10.

Conditions:
Hereditary cancer-predisposing syndrome. Also called: Neoplastic Syndromes, Hereditary; Hereditary neoplastic syndrome; Tumor predisposition; Hereditary Cancer Syndrome. Identifiers: Orphanet 140162, MedGen C0027672, MeSH D009386, MONDO:0015356.
Multiple endocrine neoplasia, type 2 (MEN2). Identifiers: Orphanet 653, MedGen C4048306, MONDO:0019003. Disease mechanism: gain of function.

Allele frequency attached by ClinVar (database versions not stated): gnomAD 0.00001.
gnomAD v4.1: 1 of 1,613,964 alleles (0.000062%); highest among the groups gnomAD compares: Middle Eastern, 0.016%; no homozygotes.

Submissions (2):

Ambry Genetics
Classification: Uncertain significance for Hereditary cancer-predisposing syndrome. Last evaluated: 2025-11-10. Review status: criteria provided, single submitter. Criteria: Ambry Variant Classification Scheme 2023. Collection method: clinical testing. Allele origin: germline.
Comment: The p.N554D variant (also known as c.1660A>G), located in coding exon 9 of the RET gene, results from an A to G substitution at nucleotide position 1660. The asparagine at codon 554 is replaced by aspartic acid, an amino acid with highly similar properties. This amino acid position is conserved. In addition, the in silico prediction for this alteration is inconclusive. Since supporting evidence is limited at this time, the clinical significance of this alteration remains unclear.

Labcorp Genetics (formerly Invitae), Labcorp
Classification: Uncertain significance for Multiple endocrine neoplasia, type 2. Last evaluated: 2022-08-16. Review status: criteria provided, single submitter. Criteria: Invitae Variant Classification Sherloc (09022015). Collection method: clinical testing. Allele origin: germline.
Comment: This variant has not been reported in the literature in individuals affected with RET-related conditions. This variant is not present in population databases (gnomAD no frequency). This sequence change replaces asparagine, which is neutral and polar, with aspartic acid, which is acidic and polar, at codon 554 of the RET protein (p.Asn554Asp). ClinVar contains an entry for this variant (Variation ID: 1395671). Algorithms developed to predict the effect of missense changes on protein structure and function are either unavailable or do not agree on the potential impact of this missense change (SIFT: "Tolerated"; PolyPhen-2: "Probably Damaging"; Align-GVGD: "Class C0"). In summary, the available evidence is currently insufficient to determine the role of this variant in disease. Therefore, it has been classified as a Variant of Uncertain Significance.

NM_020975.6(RET):c.1660A>G (p.Asn554Asp)

Gene: RET (ret proto-oncogene; plus strand). Cytogenetic location: 10q11.21.
Variant type: single nucleotide variant.
Coding change: c.1660A>G on transcript NM_020975.6 (MANE Select); coding-DNA position 1660, A replaced by G.
Protein change: p.Asn554Asp; replaces asparagine 554 with aspartic acid.
Molecular consequence: missense variant.
Genome position (GRCh38, 1-based): chr10:43,112,864, A>G. VCF-style: chr10-43112864-A-G. GRCh37 (hg19) VCF-style: chr10-43608312-A-G.
Other names: c.1660A>G, p.Asn554Asp (NM_000323.2, NM_001406743.1, NM_001406744.1 and 6 more transcripts); c.898A>G, p.Asn300Asp (NM_001355216.2); c.1531A>G, p.Asn511Asp (NM_001406761.1, NM_001406762.1, NM_001406764.1 and 1 more transcripts); c.1372A>G, p.Asn458Asp (NM_001406766.1, NM_001406767.1, NM_001406770.1); c.1264A>G, p.Asn422Asp (NM_001406769.1, NM_001406772.1); c.1222A>G, p.Asn408Asp (NM_001406771.1, NM_001406773.1); c.1135A>G, p.Asn379Asp (NM_001406774.1); c.934A>G, p.Asn312Asp (NM_001406775.1, NM_001406776.1, NM_001406777.1 and 1 more transcripts); and 5 more; short protein forms N300D, N554D, N224D, N255D, N379D, N458D, N212D, N312D.
Identifiers: ClinVar variation 1395671 (VCV001395671.13), dbSNP rs1837971699, ClinGen allele CA376551777.